The following is an entry in ClinVar:

NM_000535.7(PMS2):c.2276C>A (p.Ala759Asp)

Gene: PMS2 (PMS1 homolog 2, mismatch repair system component; minus strand). Cytogenetic location: 7p22.1.
Variant type: single nucleotide variant.
Coding change: c.2276C>A on transcript NM_000535.7 (MANE Select); coding-DNA position 2276, C replaced by A.
Protein change: p.Ala759Asp; replaces alanine 759 with aspartic acid.
Molecular consequence: missense variant.
Genome position (GRCh38, 1-based): chr7:5,977,757, G>T on the plus strand (C>A on the coding strand, the complement: PMS2 is on the minus strand). VCF-style: chr7-5977757-G-T. GRCh37 (hg19) VCF-style: chr7-6017388-G-T.
Other names: c.1871C>A, p.Ala624Asp (NM_001322003.2, NM_001322004.2, NM_001322005.2); c.2120C>A, p.Ala707Asp (NM_001322006.2); c.1958C>A, p.Ala653Asp (NM_001322007.2, NM_001322008.2); c.1904C>A, p.Ala635Asp (NM_001322009.2); c.1715C>A, p.Ala572Asp (NM_001322010.2); c.1343C>A, p.Ala448Asp (NM_001322011.2, NM_001322012.2); c.1703C>A, p.Ala568Asp (NM_001322013.2); c.2309C>A, p.Ala770Asp (NM_001322014.2); and 1 more; short protein forms A568D, A635D, A656D, A707D, A624D, A653D, A759D, A572D.
Identifiers: ClinVar variation 1446951 (VCV001446951.10), dbSNP rs1219434769, ClinGen allele CA366736208.
Genomic context (GRCh38, chr7:5,977,757, plus strand): 5'-CCGAAGGTCCAGTTTTTACTAGTTGGCAAGGAAATCAGTTTAGCCCTTTCAGTGACTGGA[G>T]CTAAAAGAATACAATTTTGAGAAAAATCCATGACTTGACAAACACGTTTCACTTGAAAGC-3'
Protein context (NP_000526.2, residues 749-769): NGFDFVIDEN[Ala759Asp]PVTERAKLIS

ClinVar aggregate classification (germline): Uncertain significance. Review status: criteria provided, multiple submitters, no conflicts (2 of 4 stars). 2 submissions from 2 submitters: Uncertain significance (2). Last evaluated 2023-05-16.

Conditions:
Hereditary nonpolyposis colorectal neoplasms. Identifiers: MedGen C0009405, MeSH D003123.
Hereditary cancer-predisposing syndrome. Also called: Hereditary Cancer Syndrome; Hereditary neoplastic syndrome; Neoplastic Syndromes, Hereditary; Tumor predisposition. Identifiers: Orphanet 140162, MedGen C0027672, MeSH D009386, MONDO:0015356.

Submissions (2):

Ambry Genetics
Classification: Uncertain significance for Hereditary cancer-predisposing syndrome. Last evaluated: 2023-05-16. Review status: criteria provided, single submitter. Criteria: Ambry Variant Classification Scheme 2023. Collection method: clinical testing. Allele origin: germline.
Comment: The p.A759D variant (also known as c.2276C>A), located in coding exon 14 of the PMS2 gene, results from a C to A substitution at nucleotide position 2276. The alanine at codon 759 is replaced by aspartic acid, an amino acid with dissimilar properties. This amino acid position is highly conserved in available vertebrate species. In addition, this alteration is predicted to be deleterious by in silico analysis. Since supporting evidence is limited at this time, the clinical significance of this alteration remains unclear.

Labcorp Genetics (formerly Invitae), Labcorp
Classification: Uncertain significance for Hereditary nonpolyposis colorectal neoplasms. Last evaluated: 2021-04-28. Review status: criteria provided, single submitter. Criteria: Invitae Variant Classification Sherloc (09022015). Collection method: clinical testing. Allele origin: germline.
Comment: In summary, the available evidence is currently insufficient to determine the role of this variant in disease. Therefore, it has been classified as a Variant of Uncertain Significance. Algorithms developed to predict the effect of missense changes on protein structure and function are either unavailable or do not agree on the potential impact of this missense change (SIFT: "Deleterious"; PolyPhen-2: "Probably Damaging"; Align-GVGD: "Class C0"). This variant has not been reported in the literature in individuals with PMS2-related conditions. The frequency data for this variant in the population databases (ExAC) is considered unreliable due to the presence of homologous sequence, such as pseudogenes or paralogs, in the genome. This sequence change replaces alanine with aspartic acid at codon 759 of the PMS2 protein (p.Ala759Asp). The alanine residue is highly conserved and there is a moderate physicochemical difference between alanine and aspartic acid.